The following is an entry in ClinVar:

NM_000238.4(KCNH2):c.1796G>A (p.Ser599Asn)

Gene: KCNH2 (potassium voltage-gated channel subfamily H member 2; minus strand). Cytogenetic location: 7q36.1.
Variant type: single nucleotide variant.
Coding change: c.1796G>A on transcript NM_000238.4 (MANE Select); coding-DNA position 1796, G replaced by A.
Protein change: p.Ser599Asn; replaces serine 599 with asparagine.
Molecular consequence: missense variant.
Genome position (GRCh38, 1-based): chr7:150,951,597, C>T on the plus strand (G>A on the coding strand, the complement: KCNH2 is on the minus strand). VCF-style: chr7-150951597-C-T. GRCh37 (hg19) VCF-style: chr7-150648685-C-T.
Other names: c.776G>A, p.Ser259Asn (NM_001204798.2, NM_172057.3); c.1508G>A, p.Ser503Asn (NM_001406753.1, NM_001406756.1); c.1619G>A, p.Ser540Asn (NM_001406755.1); c.1496G>A, p.Ser499Asn (NM_001406757.1); c.1796G>A, p.Ser599Asn (NM_172056.3); short protein forms S259N, S599N, S540N, S499N, S503N.
Identifiers: ClinVar variation 1172277 (VCV001172277.8), dbSNP rs1329260732, ClinGen allele CA369858051.

ClinVar aggregate classification (germline): Uncertain significance. Review status: criteria provided, multiple submitters, no conflicts (2 of 4 stars). 2 submissions from 2 submitters: Uncertain significance (2). Last evaluated 2025-12-09.

Conditions:
Cardiac arrhythmia. Also called: Cardiac rhythm disease; Arrhythmia. Identifiers: MedGen C0003811, MONDO:0007263, HP:0011675.
Long QT syndrome (LQTS). Identifiers: MedGen C0023976, MeSH D008133, MONDO:0002442. Disease mechanism: loss of function. Inheritance: Various modes of inheritance.

Allele frequency attached by ClinVar (database versions not stated): gnomAD exomes below 0.00001.

Submissions (2):

Labcorp Genetics (formerly Invitae), Labcorp
Classification: Uncertain significance for Long QT syndrome. Last evaluated: 2025-12-09. Review status: criteria provided, single submitter. Criteria: Invitae Variant Classification Sherloc (09022015). Collection method: clinical testing. Allele origin: germline.
Comment: This sequence change replaces serine, which is neutral and polar, with asparagine, which is neutral and polar, at codon 599 of the KCNH2 protein (p.Ser599Asn). This variant is present in population databases (no rsID available, gnomAD 0.006%). This variant has not been reported in the literature in individuals affected with KCNH2-related conditions. ClinVar contains an entry for this variant (Variation ID: 1172277). An algorithm developed to predict the effect of missense changes on protein structure and function (PolyPhen-2) suggests that this variant is likely to be tolerated. In summary, the available evidence is currently insufficient to determine the role of this variant in disease. Therefore, it has been classified as a Variant of Uncertain Significance.

Color Diagnostics, LLC DBA Color Health
Classification: Uncertain significance for Cardiac arrhythmia. Last evaluated: 2024-03-07. Review status: criteria provided, single submitter. Criteria: ACMG Guidelines, 2015. Collection method: clinical testing. Allele origin: germline.
Comment: This missense variant replaces serine with asparagine at codon 599 of the KCNH2 protein. Computational prediction suggests that this variant may not impact protein structure and function (internally defined REVEL score threshold <= 0.5, PMID: 27666373). To our knowledge, functional studies have not been reported for this variant. This variant has not been reported in individuals affected with cardiovascular disorders in the literature. This variant has been identified in 1/251438 chromosomes in the general population by the Genome Aggregation Database (gnomAD). The available evidence is insufficient to determine the role of this variant in disease conclusively. Therefore, this variant is classified as a Variant of Uncertain Significance.